The following is an entry in ClinVar:

ClinVar aggregate classification (germline): Benign/Likely benign. Review status: criteria provided, multiple submitters, no conflicts (2 of 4 stars). 6 submissions from 6 submitters: Benign (2); Likely benign (3). 1 of the submissions does not count toward it. Last evaluated 2026-01-19.

Conditions:
CDKL5 disorder. Identifiers: MedGen CN296942, MONDO:0100039.
Inborn genetic diseases. Identifiers: MedGen C0950123, MeSH D030342.
Angelman syndrome-like. Identifiers: MedGen CN128785.
Developmental and epileptic encephalopathy, 2 (DEE2). Also called: CDKL5 deficiency disorder; INFANTILE SPASM SYNDROME, X-LINKED 2. Identifiers: Orphanet 1934, Orphanet 3451, Orphanet 505652, MedGen C4750718, MONDO:0010396, OMIM 300672.

Allele frequency attached by ClinVar (database versions not stated): gnomAD 0.00006 and 0.00007; gnomAD exomes 0.00020 and 0.00004; ExAC 0.00014; TOPMed 0.00006.
gnomAD v4.1: 60 of 1,210,305 alleles (0.005%); highest among the groups gnomAD compares: East Asian, 0.11%; no homozygotes.

Submissions (6):

Labcorp Genetics (formerly Invitae), Labcorp
Classification: Benign for Developmental and epileptic encephalopathy, 2; Angelman syndrome-like. Last evaluated: 2026-01-19. Review status: criteria provided, single submitter. Criteria: Invitae Variant Classification Sherloc (09022015). Collection method: clinical testing. Allele origin: germline.

Blueprint Genetics
Classification: Likely benign. Last evaluated: 2024-10-22. Review status: criteria provided, single submitter. Criteria: ACMG Guidelines, 2015. Collection method: clinical testing. Allele origin: germline.

Centre for Population Genomics, CPG
Classification: Benign for CDKL5 disorder. Last evaluated: 2024-08-21. Review status: criteria provided, single submitter. Criteria: McKnight et al. (Hum Mutat. 2022). Collection method: curation. Allele origin: germline. Inheritance: X-linked inheritance.
Comment: This variant has been collected from RettBASE and curated to current modified ACMG/AMP criteria. Based on the classification scheme defined by the ClinGen Rett/Angelman-like Expert Panel for Rett/AS-like Disorders Specifications to the ACMG/AMP Variant Interpretation Guidelines VCEP 3.0, this variant is classified as benign. At least the following criteria are met: The allele frequency of this variant in at least one population in gnomAD v4 is higher than the 0.03% threshold defined by the ClinGen Rett/Angelman-like Expert Panel for Rett/AS-like Disorders VCEP 3.0 (BA1).

GeneDx
Classification: Likely benign. Last evaluated: 2019-11-07. Review status: criteria provided, single submitter. Criteria: GeneDx Variant Classification Process June 2021. Collection method: clinical testing. Allele origin: germline. Affected: yes.
Comment: This variant is associated with the following publications: (PMID: 26112015, 23756444, 22779007, 21775177, 25525159, 27824329, 30564305, 29933521, 30405208, 30763456)

Ambry Genetics
Classification: Likely benign for Inborn genetic diseases. Last evaluated: 2017-08-02. Review status: criteria provided, single submitter. Criteria: Ambry Variant Classification Scheme 2023. Collection method: clinical testing. Allele origin: germline.

RettBASE
Classification: Benign. Last evaluated: 2014-05-09. Review status: no assertion criteria provided. Collection method: curation. Allele origin: maternal, unknown. Observed: 10 variant alleles. Not counted in ClinVar's aggregate classification.
Comment: In exon 20, affecting only the transcript lowly expressed; found in multiple normal females in control population and normal family members

Literature cited by the submitters: PubMed 21775177 (cited by Ambry Genetics and RettBASE); PubMed 23756444 (cited by Ambry Genetics); PubMed 26112015 (cited by Ambry Genetics); PubMed 27824329 (cited by Ambry Genetics).

NM_000330.4(RS1):c.185-3134G>A

Genes: CDKL5 (cyclin dependent kinase like 5; plus strand), RS1 (retinoschisin 1; minus strand). Cytogenetic location: Xp22.13.
Variant type: single nucleotide variant.
Coding change: c.185-3134G>A on transcript NM_000330.4 (MANE Select); 3134 bases into the intron before coding-DNA position 185, G replaced by A.
Molecular consequence: intron variant. On other transcripts: nonsense (2).
Genome position (GRCh38, 1-based): chrX:18,650,466, C>T on the plus strand (G>A on the coding strand, the complement: RS1 is on the minus strand). VCF-style: chrX-18650466-C-T. GRCh37 (hg19) VCF-style: chrX-18668586-C-T.
Other names: c.2854C>T, p.Arg952Ter (NM_001037343.2, NM_003159.3); short protein forms R952*.
Identifiers: ClinVar variation 143811 (VCV000143811.20), dbSNP rs202153551, ClinGen allele CA170483.